The following is an entry in ClinVar:

ClinVar aggregate classification (germline): Uncertain significance. Review status: criteria provided, multiple submitters, no conflicts (2 of 4 stars). 3 submissions from 3 submitters: Uncertain significance (3). Last evaluated 2025-09-01.

Conditions:
TTN-related disorder. Also called: TTN-related disorders; TTN-related condition; TTN-related disease.
Cardiovascular phenotype. Identifiers: MedGen CN230736.
Autosomal recessive limb-girdle muscular dystrophy type 2J (LGMDR10). Also called: Limb-girdle muscular dystrophy, type 2J; MUSCULAR DYSTROPHY, LIMB-GIRDLE, AUTOSOMAL RECESSIVE 10. Identifiers: Orphanet 140922, MedGen C1837342, MONDO:0012127, OMIM 608807.
Dilated cardiomyopathy 1G (CMD1G). Identifiers: Orphanet 154, MedGen C1858763, MONDO:0011400, OMIM 604145.

Allele frequency attached by ClinVar (database versions not stated): gnomAD exomes 0.00002; TOPMed 0.00003; ExAC 0.00004; gnomAD 0.00005 and 0.00006.
gnomAD v4.1: 37 of 1,612,034 alleles (0.0023%); highest among the groups gnomAD compares: East Asian, 0.038%; no homozygotes.

Submissions (3):

PreventionGenetics, part of Exact Sciences
Classification: Uncertain significance for TTN-related condition. Last evaluated: 2025-09-01. Review status: criteria provided, single submitter. Criteria: ACMG Guidelines, 2015. Collection method: clinical testing. Allele origin: germline.
Comment: The TTN c.97678C>T variant is predicted to result in the amino acid substitution p.Arg32560Cys. To our knowledge, this variant has not been reported in the literature. This variant is reported in 0.016% of alleles in individuals of East Asian descent in gnomAD. At this time, the clinical significance of this variant is uncertain due to the absence of conclusive functional and genetic evidence.

Ambry Genetics
Classification: Uncertain significance for Cardiovascular phenotype. Last evaluated: 2019-08-26. Review status: criteria provided, single submitter. Criteria: Ambry Variant Classification Scheme 2023. Collection method: clinical testing. Allele origin: germline.
Comment: The p.R23495C variant (also known as c.70483C>T), located in coding exon 177 of the TTN gene, results from a C to T substitution at nucleotide position 70483. The arginine at codon 23495 is replaced by cysteine, an amino acid with highly dissimilar properties. This amino acid position is highly conserved in available vertebrate species. In addition, the in silico prediction for this alteration is inconclusive. Since supporting evidence is limited at this time, the clinical significance of this alteration remains unclear.

Labcorp Genetics (formerly Invitae), Labcorp
Classification: Uncertain significance for Dilated cardiomyopathy 1G; Autosomal recessive limb-girdle muscular dystrophy type 2J. Last evaluated: 2016-12-20. Review status: criteria provided, single submitter. Criteria: Invitae Variant Classification Sherloc (09022015). Collection method: clinical testing. Allele origin: germline.

NM_001267550.2(TTN):c.97678C>T (p.Arg32560Cys)

Genes: TTN-AS1 (TTN antisense RNA 1; plus strand), TTN (titin; minus strand). Cytogenetic location: 2q31.2.
Variant type: single nucleotide variant.
Coding change: c.97678C>T on transcript NM_001267550.2 (MANE Select); coding-DNA position 97678, C replaced by T.
Protein change: p.Arg32560Cys; replaces arginine 32560 with cysteine.
Molecular consequence: missense variant.
Genome position (GRCh38, 1-based): chr2:178,541,399, G>A on the plus strand (C>T on the coding strand, the complement: TTN is on the minus strand). VCF-style: chr2-178541399-G-A. GRCh37 (hg19) VCF-style: chr2-179406126-G-A.
Other names: c.92755C>T, p.Arg30919Cys (NM_001256850.1); c.70483C>T, p.Arg23495Cys (NM_003319.4); c.89974C>T, p.Arg29992Cys (NM_133378.4); c.70858C>T, p.Arg23620Cys (NM_133432.3); c.71059C>T, p.Arg23687Cys (NM_133437.4); short protein forms R32560C, R23620C, R30919C, R23495C, R23687C, R29992C.
Identifiers: ClinVar variation 404976 (VCV000404976.6), dbSNP rs760762257, ClinGen allele CA1986508.